The following is an entry in ClinVar:

NM_018671.5(UNC45A):c.2735T>C (p.Leu912Pro)

Genes: RCCD1-AS1 (RCCD1 and UNC45A antisense RNA 1; minus strand), UNC45A (unc-45 myosin chaperone A; plus strand). Cytogenetic location: 15q26.1.
Variant type: single nucleotide variant.
Coding change: c.2735T>C on transcript NM_018671.5 (MANE Select); coding-DNA position 2735, T replaced by C.
Protein change: p.Leu912Pro; replaces leucine 912 with proline.
Molecular consequence: missense variant.
Genome position (GRCh38, 1-based): chr15:90,953,616, T>C. VCF-style: chr15-90953616-T-C. GRCh37 (hg19) VCF-style: chr15-91496846-T-C.
Other names: c.2690T>C, p.Leu897Pro (NM_001039675.2, NM_001323621.2); c.2735T>C, p.Leu912Pro (NM_001323619.1); c.2300T>C, p.Leu767Pro (NM_001323620.2); c.2735T>C (NM_018671.3); short protein forms L897P, L767P, L912P.
Identifiers: ClinVar variation 1507877 (VCV001507877.6), dbSNP rs1267055392, ClinGen allele CA393863242.

ClinVar aggregate classification (germline): Uncertain significance. Review status: criteria provided, multiple submitters, no conflicts (2 of 4 stars). 2 submissions from 2 submitters: Uncertain significance (2). Last evaluated 2025-08-20.

Conditions:
Inborn genetic diseases. Identifiers: MedGen C0950123, MeSH D030342.

Allele frequency attached by ClinVar (database versions not stated): gnomAD exomes below 0.00001.
gnomAD v4.1: 2 of 1,614,084 alleles (0.00012%); highest among the groups gnomAD compares: Non-Finnish European, 0.00017%; no homozygotes.

Submissions (2):

Ambry Genetics
Classification: Uncertain significance for Inborn genetic diseases. Last evaluated: 2025-08-20. Review status: criteria provided, single submitter. Criteria: Ambry Variant Classification Scheme 2023. Collection method: clinical testing. Allele origin: germline.

Labcorp Genetics (formerly Invitae), Labcorp
Classification: Uncertain significance. Last evaluated: 2024-11-18. Review status: criteria provided, single submitter. Criteria: Invitae Variant Classification Sherloc (09022015). Collection method: clinical testing. Allele origin: germline.
Comment: This sequence change replaces leucine, which is neutral and non-polar, with proline, which is neutral and non-polar, at codon 912 of the UNC45A protein (p.Leu912Pro). This variant is present in population databases (no rsID available, gnomAD 0.0009%). This variant has not been reported in the literature in individuals affected with UNC45A-related conditions. ClinVar contains an entry for this variant (Variation ID: 1507877). Invitae Evidence Modeling of protein sequence and biophysical properties (such as structural, functional, and spatial information, amino acid conservation, physicochemical variation, residue mobility, and thermodynamic stability) indicates that this missense variant is not expected to disrupt UNC45A protein function with a negative predictive value of 80%. In summary, the available evidence is currently insufficient to determine the role of this variant in disease. Therefore, it has been classified as a Variant of Uncertain Significance.